The following is an entry in ClinVar:

ClinVar aggregate classification (germline): Pathogenic (1 of 4 stars; one submission).

Submission:

Labcorp Genetics (formerly Invitae), Labcorp
Classification: Pathogenic. Last evaluated: 2025-09-29. Review status: criteria provided, single submitter. Criteria: Invitae Variant Classification Sherloc (09022015). Collection method: clinical testing. Allele origin: germline.
Comment: This sequence change creates a premature translational stop signal (p.Gln971Hisfs*72) in the KDM2B gene. It is expected to result in an absent or disrupted protein product. However, the current clinical and genetic evidence is not sufficient to establish whether loss-of-function variants in KDM2B cause disease. Information on the frequency of this variant in the gnomAD database is not available, as this variant may be reported differently in the database. This variant has not been reported in the literature in individuals affected with KDM2B-related conditions. This variant disrupts a region of the KDM2B protein in which other variant(s) (p.Arg1213Trp) have been determined to be pathogenic (PMID: 36322151). This suggests that this is a clinically significant region of the protein, and that variants that disrupt it are likely to be disease-causing. For these reasons, this variant has been classified as Pathogenic.

Literature cited by the submitters: PubMed 36322151.

NM_032590.5(KDM2B):c.2913del (p.Gln971fs)

Gene: KDM2B (lysine demethylase 2B; minus strand). Cytogenetic location: 12q24.31.
Variant type: Deletion.
Coding change: c.2913del on transcript NM_032590.5 (MANE Select); coding-DNA position 2913, one base deleted (G; older notation c.2913delG).
Protein change: p.Gln971fs; shifts the reading frame from glutamine 971.
Molecular consequence: frameshift variant.
Genome position (GRCh38, 1-based): chr12:121,442,528, C deleted on the plus strand (G on the coding strand, the reverse complement: KDM2B is on the minus strand). VCF-style (leftmost placement, unchanged base first): chr12-121442527-GC-G. GRCh37 (hg19) VCF-style: chr12-121880330-GC-G.
Other names: c.2706del, p.Gln902fs (NM_001005366.2); c.3009del, p.Gln1003fs (NM_001439014.1, NM_001439015.1); c.2991del, p.Gln997fs (NM_001439016.1); c.2913del, p.Gln971fs (NM_001439017.1, NM_001439018.1); c.2898del, p.Gln966fs (NM_001439020.1); c.2880del, p.Gln960fs (NM_001439021.1); c.2850del, p.Gln950fs (NM_001439022.1, NM_001439023.1); c.2820del, p.Gln940fs (NM_001439025.1, NM_001439026.1); and 3 more; short protein forms Q934fs, Q950fs, Q966fs, Q1003fs, Q912fs, Q940fs, Q960fs, Q997fs.
Identifiers: ClinVar variation 4728098 (VCV004728098.1).